The following is an entry in ClinVar:

ClinVar aggregate classification (germline): Uncertain significance (1 of 4 stars; one submission).

Submission:

Dasa
Classification: Uncertain significance. Last evaluated: 2025-08-27. Review status: criteria provided, single submitter. Criteria: DASA Assertion Criteria. Collection method: clinical testing. Allele origin: germline.
Comment: NM_024884.3(L2HGDH):c.1141A>T (p.Thr381Ser) is a missense variant that results in the substitution of threonine with serine. This variant is absent from population databases. The currently available literature and clinical evidence are not sufficient to establish a definitive association between this variant and the reported condition. Therefore, this variant is classified as a variant of uncertain significance.

NM_024884.3(L2HGDH):c.1141A>T (p.Thr381Ser)

Gene: L2HGDH (L-2-hydroxyglutarate dehydrogenase; minus strand). Cytogenetic location: 14q21.3.
Variant type: single nucleotide variant.
Coding change: c.1141A>T on transcript NM_024884.3 (MANE Select); coding-DNA position 1141, A replaced by T.
Protein change: p.Thr381Ser; replaces threonine 381 with serine.
Molecular consequence: missense variant.
Genome position (GRCh38, 1-based): chr14:50,265,413, T>A on the plus strand (A>T on the coding strand, the complement: L2HGDH is on the minus strand). VCF-style: chr14-50265413-T-A. GRCh37 (hg19) VCF-style: chr14-50732131-T-A.
Other names: c.1141A>T, p.Thr381Ser (NM_001425212.1); c.1030A>T, p.Thr344Ser (NM_001425213.1, NM_001425214.1); c.595A>T, p.Thr199Ser (NM_001425215.1, NM_001425216.1, NM_001425217.1 and 1 more transcripts); short protein forms T199S, T344S, T381S.
Identifiers: ClinVar variation 4883001 (VCV004883001.2).